The following is an entry in ClinVar:

ClinVar aggregate classification (germline): Uncertain significance (1 of 4 stars; one submission).

Conditions:
Congenital adrenal hyperplasia due to cytochrome P450 oxidoreductase deficiency. Also called: DISORDERED STEROIDOGENESIS DUE TO POR DEFICIENCY. Identifiers: Orphanet 95699, MedGen C1860042, MONDO:0013310, OMIM 613571.

Allele frequency attached by ClinVar (database versions not stated): 1000 Genomes Project 0.00020; 1000 Genomes Project 30x 0.00031.
gnomAD v4.1: 21 of 1,591,368 alleles (0.0013%); highest among the groups gnomAD compares: South Asian, 0.021%; no homozygotes.

Submission:

Labcorp Genetics (formerly Invitae), Labcorp
Classification: Uncertain significance for Congenital adrenal hyperplasia due to cytochrome P450 oxidoreductase deficiency. Last evaluated: 2022-07-12. Review status: criteria provided, single submitter. Criteria: Invitae Variant Classification Sherloc (09022015). Collection method: clinical testing. Allele origin: germline.
Comment: This sequence change replaces glutamic acid, which is acidic and polar, with lysine, which is basic and polar, at codon 505 of the POR protein (p.Glu505Lys). This variant is present in population databases (rs377159530, gnomAD 0.02%). This variant has not been reported in the literature in individuals affected with POR-related conditions. ClinVar contains an entry for this variant (Variation ID: 1398806). Algorithms developed to predict the effect of missense changes on protein structure and function (SIFT, PolyPhen-2, Align-GVGD) all suggest that this variant is likely to be tolerated. In summary, the available evidence is currently insufficient to determine the role of this variant in disease. Therefore, it has been classified as a Variant of Uncertain Significance.

NM_001395413.1(POR):c.1504G>A (p.Glu502Lys)

Gene: POR (cytochrome p450 oxidoreductase; plus strand). Cytogenetic location: 7q11.23.
Variant type: single nucleotide variant.
Coding change: c.1504G>A on transcript NM_001395413.1 (MANE Select); coding-DNA position 1504, G replaced by A.
Protein change: p.Glu502Lys; replaces glutamic acid 502 with lysine.
Molecular consequence: missense variant.
Genome position (GRCh38, 1-based): chr7:75,985,693, G>A. VCF-style: chr7-75985693-G-A. GRCh37 (hg19) VCF-style: chr7-75615011-G-A.
Other names: c.1504G>A, p.Glu502Lys (NM_001367562.3, NM_001382657.2, NM_001382658.3 and 1 more transcripts); c.1558G>A, p.Glu520Lys (NM_001382655.3); c.1354G>A, p.Glu452Lys (NM_001382662.3); short protein forms E452K, E502K, E520K.
Identifiers: ClinVar variation 1398806 (VCV001398806.5), dbSNP rs377159530, ClinGen allele CA4304169.
Genomic context (GRCh38, chr7:75,985,693, plus strand): 5'-GCTGGCCGCATCAACAAGGGCGTGGCCACCAACTGGCTGCGGGCCAAGGAGCCTGCCGGG[G>A]AGAACGGCGGCCGTGCGCTGGTGCCCATGTTCGTGCGCAAGTCCCAGTTCCGCCTGCCCT-3'
Protein context (NP_001382342.1, residues 492-512): NWLRAKEPAG[Glu502Lys]NGGRALVPMF